The following is an entry in ClinVar:

NM_006019.4(TCIRG1):c.827G>A (p.Arg276Gln)

Gene: TCIRG1 (T cell immune regulator 1, ATPase H+ transporting V0 subunit a3; plus strand). Cytogenetic location: 11q13.2.
Variant type: single nucleotide variant.
Coding change: c.827G>A on transcript NM_006019.4 (MANE Select); coding-DNA position 827, G replaced by A.
Protein change: p.Arg276Gln; replaces arginine 276 with glutamine.
Molecular consequence: missense variant. On other transcripts: 5 prime UTR variant (1).
Genome position (GRCh38, 1-based): chr11:68,044,151, G>A. VCF-style: chr11-68044151-G-A. GRCh37 (hg19) VCF-style: chr11-67811618-G-A.
Other names: c.827G>A (NM_006019.3); c.-68G>A (NM_001351059.2); c.179G>A, p.Arg60Gln (NM_006053.4); short protein forms R60Q, R276Q.
Identifiers: ClinVar variation 1487100 (VCV001487100.7), dbSNP rs554726944, ClinGen allele CA6146836.

ClinVar aggregate classification (germline): Uncertain significance. Review status: criteria provided, multiple submitters, no conflicts (2 of 4 stars). 2 submissions from 2 submitters: Uncertain significance (2). Last evaluated 2025-12-16.

Conditions:
Inborn genetic diseases. Identifiers: MedGen C0950123, MeSH D030342.

Allele frequency attached by ClinVar (database versions not stated): gnomAD exomes 0.00002 and 0.00003; TOPMed 0.00002; gnomAD 0.00004; ExAC 0.00013; 1000 Genomes Project 0.00020; 1000 Genomes Project 30x 0.00031.

Submissions (2):

Labcorp Genetics (formerly Invitae), Labcorp
Classification: Uncertain significance. Last evaluated: 2025-12-16. Review status: criteria provided, single submitter. Criteria: Invitae Variant Classification Sherloc (09022015). Collection method: clinical testing. Allele origin: germline.
Comment: This sequence change replaces arginine, which is basic and polar, with glutamine, which is neutral and polar, at codon 276 of the TCIRG1 protein (p.Arg276Gln). This variant is present in population databases (rs554726944, gnomAD 0.009%). This variant has not been reported in the literature in individuals affected with TCIRG1-related conditions. ClinVar contains an entry for this variant (Variation ID: 1487100). Invitae Evidence Modeling of protein sequence and biophysical properties (such as structural, functional, and spatial information, amino acid conservation, physicochemical variation, residue mobility, and thermodynamic stability) indicates that this missense variant is not expected to disrupt TCIRG1 protein function with a negative predictive value of 80%. In summary, the available evidence is currently insufficient to determine the role of this variant in disease. Therefore, it has been classified as a Variant of Uncertain Significance.

Ambry Genetics
Classification: Uncertain significance for Inborn genetic diseases. Last evaluated: 2025-07-14. Review status: criteria provided, single submitter. Criteria: Ambry Variant Classification Scheme 2023. Collection method: clinical testing. Allele origin: germline.